The following is an entry in ClinVar:

NM_000384.3(APOB):c.4375A>G (p.Ser1459Gly)

Gene: APOB (apolipoprotein B; minus strand). Cytogenetic location: 2p24.1.
Variant type: single nucleotide variant.
Coding change: c.4375A>G on transcript NM_000384.3 (MANE Select); coding-DNA position 4375, A replaced by G.
Protein change: p.Ser1459Gly; replaces serine 1459 with glycine.
Molecular consequence: missense variant.
Genome position (GRCh38, 1-based): chr2:21,012,493, T>C on the plus strand (A>G on the coding strand, the complement: APOB is on the minus strand). VCF-style: chr2-21012493-T-C. GRCh37 (hg19) VCF-style: chr2-21235365-T-C.
Other names: short protein forms S1459G.
Identifiers: ClinVar variation 696076 (VCV000696076.25), dbSNP rs140877474, ClinGen allele CA060950.

ClinVar aggregate classification (germline): Conflicting classifications of pathogenicity. Review status: criteria provided, conflicting classifications (1 of 4 stars). 8 submissions from 7 submitters: Uncertain significance (6); Benign (1); Likely benign (1). Last evaluated 2026-10-13.

Conditions:
Familial hypobetalipoproteinemia 1. Also called: APOB-Related Familial Hypobetalipoproteinemia; Acanthocytosis with hypobetalipoproteinemia; Hypobetalipoproteinemia, normotriglyceridemic. Identifiers: MedGen C4551990, MONDO:0014252, OMIM 615558.
Hypercholesterolemia, autosomal dominant, type B (FHCL2). Also called: APOB-Related Familial Hypercholesterolemia, Autosomal Dominant; Familial Hypercholesterolemia Type B; Familial hypercholesterolemia 2; APOLIPOPROTEIN B-100, FAMILIAL DEFECTIVE; APOLIPOPROTEIN B-100, FAMILIAL LIGAND-DEFECTIVE; HYPERCHOLESTEROLEMIA, FAMILIAL, DUE TO LIGAND-DEFECTIVE APOLIPOPROTEIN B. Identifiers: MedGen C1704417, MONDO:0007751, OMIM 144010.
Cardiovascular phenotype. Identifiers: MedGen CN230736.
Familial hypercholesterolemia. Also called: Familial hypercholesterolemias; Familial hypercholesterolaemia. Identifiers: MedGen C0020445, MONDO:0005439.

Allele frequency attached by ClinVar (database versions not stated): gnomAD exomes 0.00007 and 0.00022; ExAC 0.00028; gnomAD 0.00082 and 0.00089; TOPMed 0.00105; ESP Exome Variant Server 0.00108; 1000 Genomes Project 0.00140; 1000 Genomes Project 30x 0.00141.

Submissions (8):

Cambridge Genomics Laboratory, East Genomic Laboratory Hub, NHS Genomic Medicine Service
Classification: Uncertain significance for Familial hypercholesterolaemia. Last evaluated: 2026-10-13. Review status: criteria provided, single submitter. Criteria: ACGS Best Practice Guidelines for Variant Classification in Rare Disease 2020. Collection method: clinical testing. Allele origin: germline. Affected: yes.
Comment: BS1_Strong

CeGaT Center for Human Genetics Tuebingen
Classification: Uncertain significance. Last evaluated: 2026-07-01. Review status: criteria provided, single submitter. Criteria: CeGaT Center For Human Genetics Tuebingen Variant Classification Criteria Version 2. Collection method: clinical testing. Allele origin: germline. Affected: yes. Observed: 1 variant allele.
Comment: APOB: PM2:Supporting, BP4

Labcorp Genetics (formerly Invitae), Labcorp
Classification: Likely benign for Familial hypobetalipoproteinemia 1; Hypercholesterolemia, autosomal dominant, type B. Last evaluated: 2026-01-22. Review status: criteria provided, single submitter. Criteria: Invitae Variant Classification Sherloc (09022015). Collection method: clinical testing. Allele origin: germline.

Quest Diagnostics Nichols Institute San Juan Capistrano
Classification: Uncertain significance. Last evaluated: 2025-07-01. Review status: criteria provided, single submitter. Criteria: Quest Diagnostics criteria. Collection method: clinical testing. Allele origin: unknown.
Comment: The APOB c.4375A>G (p.Ser1459Gly) variant has been reported in the published literature in individuals affected with hypercholesterolemia (PMID: 35910211 (2022)) and ischemic stroke (PMID: 36973604 (2023)). The frequency of this variant in the general population (Genome Aggregation Database) is higher than would generally be expected for pathogenic variants in this gene. Analysis of this variant using bioinformatics tools for the prediction of the effect of amino acid changes on protein structure and function yielded predictions that this variant is damaging. Based on the available information, we are unable to determine the clinical significance of this variant.

GeneDx
Classification: Uncertain significance. Last evaluated: 2025-01-14. Review status: criteria provided, single submitter. Criteria: GeneDx Variant Classification Process June 2021. Collection method: clinical testing. Allele origin: germline. Affected: yes.
Comment: Reported in association with hypobetalipoproteinemia in published literature (PMID: 29572815); In silico analysis supports that this missense variant has a deleterious effect on protein structure/function; This variant is associated with the following publications: (PMID: 34426522, 35910211, 29572815)

Ambry Genetics
Classification: Benign for Cardiovascular phenotype. Last evaluated: 2022-06-27. Review status: criteria provided, single submitter. Criteria: Ambry Variant Classification Scheme 2023. Collection method: clinical testing. Allele origin: germline.

Illumina Laboratory Services, Illumina
Classification: Uncertain significance for Hypercholesterolemia, autosomal dominant, type B. Last evaluated: 2018-01-12. Review status: criteria provided, single submitter. Criteria: ICSL Variant Classification Criteria 13 December 2019. Collection method: clinical testing. Allele origin: germline.

Illumina Laboratory Services, Illumina
Classification: Uncertain significance for Familial hypobetalipoproteinemia 1. Last evaluated: 2018-01-12. Review status: criteria provided, single submitter. Criteria: ICSL Variant Classification Criteria 13 December 2019. Collection method: clinical testing. Allele origin: germline.

Literature cited by the submitters: PubMed 35910211 (cited by Quest Diagnostics Nichols Institute San Juan Capistrano); PubMed 34426522 (cited by Quest Diagnostics Nichols Institute San Juan Capistrano); PubMed 29572815 (cited by Quest Diagnostics Nichols Institute San Juan Capistrano); PubMed 28431867 (cited by Quest Diagnostics Nichols Institute San Juan Capistrano); PubMed 24719370 (cited by Quest Diagnostics Nichols Institute San Juan Capistrano); PubMed 36973604 (cited by Quest Diagnostics Nichols Institute San Juan Capistrano).